The following is an entry in ClinVar:

ClinVar aggregate classification (germline): Uncertain significance. Review status: criteria provided, multiple submitters, no conflicts (2 of 4 stars). 2 submissions from 2 submitters: Uncertain significance (2). Last evaluated 2026-07-02.

Conditions:
Inborn genetic diseases. Identifiers: MedGen C0950123, MeSH D030342.

Allele frequency attached by ClinVar (database versions not stated): gnomAD exomes below 0.00001.
gnomAD v4.1: 1 of 1,614,118 alleles (0.000062%); no homozygotes.

Submissions (2):

Ambry Genetics
Classification: Uncertain significance for Inborn genetic diseases. Last evaluated: 2026-07-02. Review status: criteria provided, single submitter. Criteria: Ambry Variant Classification Scheme 2023. Collection method: clinical testing. Allele origin: germline.
Comment: The c.2038C>T (p.R680*) alteration, located in exon 12 (coding exon 11) of the SATB1 gene, consists of a C to T substitution at nucleotide position 2038. This changes the amino acid from an arginine (R) to a stop codon at amino acid position 680. This variant is not expected to trigger nonsense-mediated mRNA decay, and impacts the last 14.6% of the protein. The exact functional effect of this variant is unknown. This variant was not reported in population-based cohorts in the Genome Aggregation Database (gnomAD). Based on insufficient or conflicting evidence, the clinical significance of this alteration remains unclear.

GeneDx
Classification: Uncertain significance. Last evaluated: 2022-05-17. Review status: criteria provided, single submitter. Criteria: GeneDx Variant Classification Process June 2021. Collection method: clinical testing. Allele origin: germline. Affected: yes.
Comment: Not observed at significant frequency in large population cohorts (gnomAD); Nonsense variant predicted to result in protein truncation or nonsense mediated decay in a gene or region of a gene for which loss of function is not a well-established mechanism of disease; Has not been previously published as pathogenic or benign to our knowledge

NM_002971.6(SATB1):c.1942C>T (p.Arg648Ter)

Gene: SATB1 (SATB homeobox 1; minus strand). Cytogenetic location: 3p24.3.
Variant type: single nucleotide variant.
Coding change: c.1942C>T on transcript NM_002971.6 (MANE Select); coding-DNA position 1942, C replaced by T.
Protein change: p.Arg648Ter; replaces arginine 648 with a stop codon.
Molecular consequence: nonsense.
Genome position (GRCh38, 1-based): chr3:18,349,520, G>A on the plus strand (C>T on the coding strand, the complement: SATB1 is on the minus strand). VCF-style: chr3-18349520-G-A. GRCh37 (hg19) VCF-style: chr3-18391012-G-A.
Other names: c.1942C>T, p.Arg648Ter (NM_001131010.4, NM_001322872.2, NM_001322873.2 and 2 more transcripts); c.2038C>T, p.Arg680Ter (NM_001195470.3, NM_001322871.2); c.1726C>T, p.Arg576Ter (NM_001322876.2); c.2038C>T (NM_001195470.1); short protein forms R576*, R648*, R680*.
Identifiers: ClinVar variation 1800499 (VCV001800499.2), dbSNP rs1162060084, ClinGen allele CA351853488.